The following is an entry in ClinVar:

NM_000548.5(TSC2):c.4291_4402del (p.Ser1431fs)

Gene: TSC2 (TSC complex subunit 2; plus strand). Cytogenetic location: 16p13.3.
Variant type: Deletion.
Coding change: c.4291_4402del on transcript NM_000548.5 (MANE Select); coding-DNA positions 4291 to 4402, 112 bases deleted.
Protein change: p.Ser1431fs; shifts the reading frame from serine 1431.
Molecular consequence: frameshift variant. On other transcripts: non-coding transcript variant (5).
Genome position (GRCh38, 1-based): chr16:2,084,513-2,084,624, 112 bases deleted. GRCh37 (hg19): chr16:2,134,514-2,134,625.
Other names: c.4090_4201del, p.Ser1364fs (NM_001077183.3); c.4222_4333del, p.Ser1408fs (NM_001114382.3); c.3982_4093del, p.Ser1328fs (NM_001318827.2); c.3946_4057del, p.Ser1316fs (NM_001318829.2); c.3559_3670del, p.Ser1187fs (NM_001318831.2); c.4123_4234del, p.Ser1375fs (NM_001318832.2); c.4093_4204del, p.Ser1365fs (NM_001363528.2); c.4159_4270del, p.Ser1387fs (NM_001370404.1); and 26 more; short protein forms S1164fs, S1165fs, S1208fs, S1316fs, S1345fs, S1359fs, S1361fs, S1364fs.
Identifiers: ClinVar variation 3644601 (VCV003644601.2).

ClinVar aggregate classification (germline): Pathogenic (1 of 4 stars; one submission).

Conditions:
Tuberous sclerosis 2 (TSC2). Identifiers: Orphanet 805, MedGen C1860707, MONDO:0013199, OMIM 613254.

Submission:

Labcorp Genetics (formerly Invitae), Labcorp
Classification: Pathogenic for Tuberous sclerosis 2. Last evaluated: 2024-03-05. Review status: criteria provided, single submitter. Criteria: Invitae Variant Classification Sherloc (09022015). Collection method: clinical testing. Allele origin: germline.
Comment: This sequence change creates a premature translational stop signal (p.Ser1431Hisfs*8) in the TSC2 gene. It is expected to result in an absent or disrupted protein product. Loss-of-function variants in TSC2 are known to be pathogenic (PMID: 10205261, 17304050). This variant is not present in population databases (gnomAD no frequency). This variant has not been reported in the literature in individuals affected with TSC2-related conditions. For these reasons, this variant has been classified as Pathogenic.

Literature cited by the submitters: PubMed 10205261; PubMed 17304050.